The following is an entry in ClinVar:

ClinVar aggregate classification (germline): Benign (0 of 4 stars; one submission).

Conditions:
OGG1-related disorder. Also called: OGG1-related condition.

Allele frequency attached by ClinVar (database versions not stated): 1000 Genomes Project 30x 0.29450; 1000 Genomes Project 0.30212; TOPMed 0.22817; ESP Exome Variant Server 0.21113; gnomAD 0.22115; gnomAD exomes 0.24251; ExAC 0.27208.
gnomAD v4.1: 388,663 of 1,614,026 alleles (24%); highest among the groups gnomAD compares: East Asian, 54%; 50,216 homozygotes.

Submission:

PreventionGenetics, part of Exact Sciences
Classification: Benign for OGG1-related condition. Last evaluated: 2019-10-17. Review status: no assertion criteria provided. Collection method: clinical testing. Allele origin: germline.
Comment: This variant is classified as benign based on ACMG/AMP sequence variant interpretation guidelines (Richards et al. 2015 PMID: 25741868, with internal and published modifications).

NM_002542.6(OGG1):c.977C>G (p.Ser326Cys)

Gene: OGG1 (8-oxoguanine DNA glycosylase; plus strand). Cytogenetic location: 3p25.3.
Variant type: single nucleotide variant.
Coding change: c.977C>G on transcript NM_002542.6 (MANE Select); coding-DNA position 977, C replaced by G.
Protein change: p.Ser326Cys; replaces serine 326 with cysteine.
Molecular consequence: missense variant. On other transcripts: 3 prime UTR variant (2), non-coding transcript variant (3), intron variant (8).
Genome position (GRCh38, 1-based): chr3:9,757,089, C>G. VCF-style: chr3-9757089-C-G. GRCh37 (hg19) VCF-style: chr3-9798773-C-G.
Other names: c.*246C>G (NM_001354648.2, NM_016819.4); c.644C>G, p.Ser215Cys (NM_001354649.2); c.994C>G, p.Pro332Ala (NM_016820.4); c.948+273C>G (NM_016828.3, NM_016829.3, NM_016821.3); c.898+468C>G (NM_001354651.2); c.797+273C>G (NM_001354652.2, NM_001354650.2); c.747+2204C>G (NM_016826.3); c.565+5140C>G (NM_016827.3); short protein forms P332A, S215C, S326C.
Identifiers: ClinVar variation 3059470 (VCV003059470.2), dbSNP rs1052133, ClinGen allele CA2242831.
Genomic context (GRCh38, chr3:9,757,089, plus strand): 5'-CTCCTCCCCACACAGACTCCACCCTCCTACAGGTGCTGTTCAGTGCCGACCTGCGCCAAT[C>G]CCGCCATGCTCAGGAGCCACCAGCAAAGCGCAGAAAGGGTTCCAAAGGGCCGGAAGGCTA-3'
Protein context (NP_002533.1, residues 316-336): AVLFSADLRQ[Ser326Cys]RHAQEPPAKR